The following is an entry in ClinVar:

ClinVar aggregate classification (germline): Uncertain significance (1 of 4 stars; one submission).

Submission:

GeneDx
Classification: Uncertain significance. Last evaluated: 2025-04-08. Review status: criteria provided, single submitter. Criteria: GeneDx Variant Classification Process June 2021. Collection method: clinical testing. Allele origin: germline. Affected: yes.
Comment: Not observed at significant frequency in large population cohorts (gnomAD); In silico analysis indicates that this missense variant does not alter protein structure/function; Has not been previously published as pathogenic or benign to our knowledge

NM_004958.4(MTOR):c.4723T>A (p.Leu1575Ile)

Genes: MTOR (mechanistic target of rapamycin kinase; minus strand), MTOR-AS1 (MTOR antisense RNA 1; plus strand). Cytogenetic location: 1p36.22.
Variant type: single nucleotide variant.
Coding change: c.4723T>A on transcript NM_004958.4 (MANE Select); coding-DNA position 4723, T replaced by A.
Protein change: p.Leu1575Ile; replaces leucine 1575 with isoleucine.
Molecular consequence: missense variant.
Genome position (GRCh38, 1-based): chr1:11,145,009, A>T on the plus strand (T>A on the coding strand, the complement: MTOR is on the minus strand). VCF-style: chr1-11145009-A-T. GRCh37 (hg19) VCF-style: chr1-11205066-A-T.
Other names: c.4723T>A, p.Leu1575Ile (NM_001386500.1); c.3475T>A, p.Leu1159Ile (NM_001386501.1); short protein forms L1159I, L1575I.
Identifiers: ClinVar variation 4281813 (VCV004281813.1).
Genomic context (GRCh38, chr1:11,145,009, plus strand): 5'-CAGAATAGTTGACACTTACCCCATATGCCCGACTGTAACTCTCTCCTGCCATCGCAGTTA[A>T]TTCAGCATCCAGCAGGTCCCTGGCCTTGTCAATGCACTAGAAGAGAAACAACCCTTGGGA-3'
Protein context (NP_004949.1, residues 1565-1585): DKARDLLDAE[Leu1575Ile]TAMAGESYSR